The following is an entry in ClinVar:

ClinVar aggregate classification (germline): Conflicting classifications of pathogenicity. Review status: criteria provided, conflicting classifications (1 of 4 stars). 11 submissions from 10 submitters: Uncertain significance (4); Likely benign (5). 2 of the submissions do not count toward it. Last evaluated 2026-09-25.

Conditions:
Inherited breast cancer and ovarian cancer.
BRCA2-related disorder. Also called: BRCA2-related condition; BRCA2-related disorders. Identifiers: MedGen CN239275.
Hereditary cancer-predisposing syndrome. Also called: Hereditary Cancer Syndrome; Neoplastic Syndromes, Hereditary; Hereditary neoplastic syndrome; Tumor predisposition. Identifiers: Orphanet 140162, MedGen C0027672, MeSH D009386, MONDO:0015356.
Hereditary breast ovarian cancer syndrome. Also called: Hereditary breast and ovarian cancer syndrome; Breast and ovarian cancer; BRCA1- and BRCA2-Associated Hereditary Breast and Ovarian Cancer; Hereditary breast and/or ovarian cancer syndrome; Hereditary breast and ovarian cancer; Hereditary breast and ovarian cancer syndrome (HBOC). Identifiers: Orphanet 145, MedGen C0677776, MeSH D061325, MONDO:0003582. Disease mechanism: loss of function.
Breast-ovarian cancer, familial, susceptibility to, 2 (BROVCA2). Also called: BRCA2 Hereditary Breast and Ovarian Cancer. Identifiers: Orphanet 145, MedGen C2675520, MONDO:0012933, OMIM 612555. Disease mechanism: loss of function.
Fanconi anemia complementation group D1. Also called: BRCA2-Related Fanconi Anemia. Identifiers: Orphanet 319462, MedGen C1838457, MONDO:0011584, OMIM 605724.
Malignant tumor of breast. Also called: Malignant breast neoplasm; Cancer breast. Identifiers: MedGen C0006142, MONDO:0007254. Disease mechanism: loss of function.

Allele frequency attached by ClinVar (database versions not stated): gnomAD exomes below 0.00001; TOPMed below 0.00001.
gnomAD v4.1: 28 of 1,584,106 alleles (0.0018%); highest among the groups gnomAD compares: Non-Finnish European, 0.0023%; no homozygotes.

Submissions (11):

PreventionGenetics, part of Exact Sciences
Classification: Uncertain significance for BRCA2-related condition. Last evaluated: 2026-09-25. Review status: criteria provided, single submitter. Criteria: ACMG Guidelines, 2015. Collection method: clinical testing. Allele origin: germline.
Comment: The BRCA2 c.2606C>T variant is predicted to result in the amino acid substitution p.Ser869Leu. This variant has been reported in individuals with breast cancer (Reported as c.2834C>T, Waddell et al. 2008. PubMed ID: 18497862; Supplementary data, Lerner-Ellis et al. 2020. PubMed ID: 32885271). Functional studies suggest that this variant has a mild impact on protein function (Chenevix-Trench et al. 2006. PubMed ID: 16489001; Biswas et al. 2020. PubMed ID: 33293522). This variant is reported in 0.00095% of alleles in individuals of European (non-Finnish) descent in gnomAD and has conflicting classifications in ClinVar ranging from likely benign to uncertain (Variation ID: 51314). At this time, the clinical significance of this variant is uncertain due to the absence of conclusive functional and genetic evidence.

Labcorp Genetics (formerly Invitae), Labcorp
Classification: Likely benign for Hereditary breast ovarian cancer syndrome. Last evaluated: 2025-08-29. Review status: criteria provided, single submitter. Criteria: Invitae Variant Classification Sherloc (09022015). Collection method: clinical testing. Allele origin: germline.

Myriad Genetics, Inc.
Classification: Likely benign for Breast-ovarian cancer, familial, susceptibility to, 2. Last evaluated: 2024-06-25. Review status: criteria provided, single submitter. Criteria: Myriad Autosomal Dominant, Autosomal Recessive and X-Linked Classification Criteria (2023). Collection method: clinical testing. Allele origin: unknown.
Comment: This variant is considered likely benign. This variant is strongly associated with less severe personal and family histories of cancer, typical for individuals without pathogenic variants in this gene [PMID: 25085752].

Genomics and Molecular Medicine Service, East Genomic Laboratory Hub, NHS Genomic Medicine Service
Classification: Uncertain significance for Inherited breast cancer and ovarian cancer. Last evaluated: 2024-05-08. Review status: criteria provided, single submitter. Criteria: ACGS Best Practice Guidelines for Variant Classification in Rare Disease 2020. Collection method: clinical testing. Allele origin: germline. Affected: yes.
Comment: PP4_Moderate,BP1,BP4

Victorian Clinical Genetics Services, Murdoch Childrens Research Institute
Classification: Likely benign for Breast-ovarian cancer, familial, susceptibility to, 2. Last evaluated: 2023-07-17. Review status: criteria provided, single submitter. Criteria: ACMG Guidelines, 2015. Collection method: clinical testing. Allele origin: germline. Inheritance: Autosomal dominant inheritance.
Comment: Based on the classification scheme VCGS_Germline_v1.3.4, this variant is classified as Likely benign. Following criteria are met: 0102 - Loss of function is a known mechanism of disease in this gene and is associated with BRCA2-associated cancers, complementation group D1 fanconi anemia (MIM#605724) and Wilms tumor (MIM#194070). 0108 - This gene is associated with both recessive and dominant disease (OMIM). (I) 0200 - Variant is predicted to result in a missense amino acid change from serine to leucine. (I) 0251 - This variant is heterozygous. (I) 0304 - Variant is present in gnomAD <0.01 (v2: 1 heterozygote, 0 homozygotes). (SP) 0504 - Same amino acid change has been observed in placental mammals. (SB) 0604 - Variant is not located in an established domain, motif, hotspot or informative constraint region. (I) 0705 - No comparable missense variants have previous evidence for pathogenicity. (I) 0809 - Previous evidence of pathogenicity for this variant is inconclusive. While it has been identified as a germline variant in breast cancer patients (PMID: 18497862, 32885271), multifactorial-modelling suggests it’s non-pathogenicity (PMID: 16489001, 21990165). In addition, it has been classified as a VUS by expert panel Breast Cancer Information Core (BIC, ClinVar). (I) 0905 - No published segregation evidence has been identified for this variant. (I) 1004 - This variant has moderate functional evidence supporting normal protein function. In vitro assays looking at cell survival and sensitivity to various DNA damaging agents demonstrated normal protein function (PMID: 33293522). (SB) Legend: (SP) - Supporting pathogenic, (I) - Information, (SB) - Supporting benign

University of Washington Department of Laboratory Medicine, University of Washington
Classification: Likely benign for Hereditary cancer-predisposing syndrome. Last evaluated: 2023-03-23. Review status: criteria provided, single submitter. Criteria: Dines et al. (Genet Med. 2020). Collection method: curation. Allele origin: germline.
Comment: Missense variant in a coldspot region where missense variants are very unlikely to be pathogenic (PMID:31911673).

BRCA2 exon 11 coldspot. Reclassification based on statistical prior probability.

Illumina Laboratory Services, Illumina
Classification: Uncertain significance for Fanconi anemia complementation group D1. Last evaluated: 2017-04-27. Review status: criteria provided, single submitter. Criteria: ICSL Variant Classification Criteria 13 December 2019. Collection method: clinical testing. Allele origin: germline.

Illumina Laboratory Services, Illumina
Classification: Uncertain significance for Breast-ovarian cancer, familial, susceptibility to, 2. Last evaluated: 2017-04-27. Review status: criteria provided, single submitter. Criteria: ICSL Variant Classification Criteria 13 December 2019. Collection method: clinical testing. Allele origin: germline.
Comment: This variant was observed as part of a predisposition screen in an ostensibly healthy population. A literature search was performed for the gene, cDNA change, and amino acid change (where applicable). Publications were found based on this search. However, the evidence from the literature, in combination with allele frequency data from public databases where available, was not sufficient to rule this variant in or out of causing disease. Therefore, this variant is classified as a variant of unknown significance.

Ambry Genetics
Classification: Likely benign for Hereditary cancer-predisposing syndrome. Last evaluated: 2017-01-10. Review status: criteria provided, single submitter. Criteria: Ambry Variant Classification Scheme 2023. Collection method: clinical testing. Allele origin: germline.

Breast Cancer Information Core (BIC) (BRCA2)
Classification: Uncertain significance for Breast-ovarian cancer, familial 2. Last evaluated: 2003-12-23. Review status: no assertion criteria provided. Collection method: clinical testing. Allele origin: germline. Affected: yes. Observed: 1 variant allele. Not counted in ClinVar's aggregate classification.

Department of Pathology and Laboratory Medicine, Sinai Health System
Classification: Uncertain significance for Malignant tumor of breast. Review status: no assertion criteria provided. Collection method: clinical testing. Allele origin: unknown. Affected: yes. Observed: 1 variant allele. Study: The Canadian Open Genetics Repository (COGR). Not counted in ClinVar's aggregate classification.
Comment: The BRCA2 p.Ser869Leu variant was identified in the literature and was not identified in 360 control chromosomes from healthy individuals (Chenevix-Trench 2006). The variant was also identified in dbSNP (ID: rs80358523) as "Uncertain significance allele", ClinVar (classified as likely benign by Ambry Genetics or uncertain significance by BIC), LOVD 3.0, and in ARUP Laboratories (as unclassified variant). The variant was not identified in UMD-LSDB database. The variant was identified in control databases in 1 of 217196 chromosomes at a frequency of 0.000005 (Genome Aggregation Database Feb 27, 2017). The variant was observed in the European in 1 of 103614 chromosomes (freq: 0.00001), while the variant was not observed in the African, Other, Latino, Ashkenazi Jewish, East Asian, Finnish, and South Asian populations. The p.Ser869 residue is not conserved in mammals and computational analyses (PolyPhen-2, SIFT, AlignGVGD, BLOSUM, MutationTaster) provide inconsistent predictions regarding the impact to the protein; this information is not very predictive of pathogenicity. The variant occurs outside of the splicing consensus sequence and in silico or computational prediction software programs (SpliceSiteFinder, MaxEntScan, NNSPLICE, GeneSplicer) do not predict a difference in splicing. In summary, based on the above information the clinical significance of this variant cannot be determined with certainty at this time. This variant is classified as a variant of uncertain significance.

Literature cited by the submitters: PubMed 25085752 (cited by Myriad Genetics, Inc.); PubMed 16489001 (cited by Victorian Clinical Genetics Services, Murdoch Childrens Research Institute and Illumina Laboratory Services, Illumina); PubMed 18497862 (cited by Victorian Clinical Genetics Services, Murdoch Childrens Research Institute and Illumina Laboratory Services, Illumina); PubMed 21990165 (cited by Victorian Clinical Genetics Services, Murdoch Childrens Research Institute and Illumina Laboratory Services, Illumina); PubMed 32885271 (cited by Victorian Clinical Genetics Services, Murdoch Childrens Research Institute); PubMed 33293522 (cited by Victorian Clinical Genetics Services, Murdoch Childrens Research Institute).

NM_000059.4(BRCA2):c.2606C>T (p.Ser869Leu)

Gene: BRCA2 (BRCA2 DNA repair associated; plus strand). Cytogenetic location: 13q13.1.
Variant type: single nucleotide variant.
Coding change: c.2606C>T on transcript NM_000059.4 (MANE Select); coding-DNA position 2606, C replaced by T.
Protein change: p.Ser869Leu; replaces serine 869 with leucine.
Molecular consequence: missense variant.
Genome position (GRCh38, 1-based): chr13:32,336,961, C>T. VCF-style: chr13-32336961-C-T. GRCh37 (hg19) VCF-style: chr13-32911098-C-T.
Other names: short protein forms S869L.
Identifiers: ClinVar variation 51314 (VCV000051314.24), dbSNP rs80358523, ClinGen allele CA015810.